The following is an entry in ClinVar:

ClinVar aggregate classification (germline): Uncertain significance. Review status: criteria provided, multiple submitters, no conflicts (2 of 4 stars). 2 submissions from 2 submitters: Uncertain significance (2). Last evaluated 2024-04-22.

Conditions:
Dilated cardiomyopathy 1Z (CMD1Z). Identifiers: Orphanet 154, MedGen C2678475, MONDO:0012745, OMIM 611879.
Hypertrophic cardiomyopathy 13. Also called: TNNC1-Related Familial Hypertrophic Cardiomyopathy. Identifiers: MedGen C2750472, MONDO:0013195, OMIM 613243.
Cardiomyopathy (CMYO). Also called: Cardiomyopathies. Identifiers: Orphanet 167848, MedGen C0878544, MONDO:0004994, HP:0001638. Inheritance: Various modes of inheritance.

Submissions (2):

Labcorp Genetics (formerly Invitae), Labcorp
Classification: Uncertain significance for Hypertrophic cardiomyopathy 13; Dilated cardiomyopathy 1Z. Last evaluated: 2024-04-22. Review status: criteria provided, single submitter. Criteria: Invitae Variant Classification Sherloc (09022015). Collection method: clinical testing. Allele origin: germline.
Comment: This sequence change replaces aspartic acid, which is acidic and polar, with histidine, which is basic and polar, at codon 145 of the TNNC1 protein (p.Asp145His). This variant is not present in population databases (gnomAD no frequency). This variant has not been reported in the literature in individuals affected with TNNC1-related conditions. ClinVar contains an entry for this variant (Variation ID: 1329256). An algorithm developed to predict the effect of missense changes on protein structure and function (PolyPhen-2) suggests that this variant is likely to be disruptive. In summary, the available evidence is currently insufficient to determine the role of this variant in disease. Therefore, it has been classified as a Variant of Uncertain Significance.

CHEO Genetics Diagnostic Laboratory, Children's Hospital of Eastern Ontario
Classification: Uncertain significance for Cardiomyopathy. Last evaluated: 2021-01-11. Review status: criteria provided, single submitter. Criteria: ACMG Guidelines, 2015. Collection method: clinical testing. Allele origin: germline.

NM_003280.3(TNNC1):c.433G>C (p.Asp145His)

Gene: TNNC1 (troponin C1, slow skeletal and cardiac type; minus strand). Cytogenetic location: 3p21.1.
Variant type: single nucleotide variant.
Coding change: c.433G>C on transcript NM_003280.3 (MANE Select); coding-DNA position 433, G replaced by C.
Protein change: p.Asp145His; replaces aspartic acid 145 with histidine.
Molecular consequence: missense variant.
Genome position (GRCh38, 1-based): chr3:52,451,412, C>G on the plus strand (G>C on the coding strand, the complement: TNNC1 is on the minus strand). VCF-style: chr3-52451412-C-G. GRCh37 (hg19) VCF-style: chr3-52485428-C-G.
Other names: short protein forms D145H.
Identifiers: ClinVar variation 1329256 (VCV001329256.4), dbSNP rs142759728, ClinGen allele CA353165108.